The following is an entry in ClinVar:

ClinVar aggregate classification (germline): Conflicting classifications of pathogenicity. Review status: criteria provided, conflicting classifications (1 of 4 stars). 13 submissions from 13 submitters: Uncertain significance (6); Likely benign (2). 5 of the submissions do not count toward it. Last evaluated 2026-01-15.

Conditions:
WFS1-related disorder. Identifiers: MedGen CN379391, MONDO:0700293.
Type 2 diabetes mellitus. Also called: Type II diabetes mellitus. Identifiers: MedGen C0011860, MeSH D003924, MONDO:0005148, OMIM 125853, HP:0005978.

Allele frequency attached by ClinVar (database versions not stated): ExAC 0.00037; gnomAD 0.00080 and 0.00083; TOPMed 0.00098; ESP Exome Variant Server 0.00108; 1000 Genomes Project 0.00140; 1000 Genomes Project 30x 0.00156.
gnomAD v4.1: 304 of 1,612,566 alleles (0.019%); highest among the groups gnomAD compares: African/African-American, 0.26%; 2 homozygotes.

Submissions (13):

Labcorp Genetics (formerly Invitae), Labcorp
Classification: Likely benign. Last evaluated: 2026-01-15. Review status: criteria provided, single submitter. Criteria: Invitae Variant Classification Sherloc (09022015). Collection method: clinical testing. Allele origin: germline.

Mayo Clinic Laboratories, Mayo Clinic
Classification: Uncertain significance. Last evaluated: 2025-09-05. Review status: criteria provided, single submitter. Criteria: ACMG Guidelines, 2015. Collection method: clinical testing. Allele origin: germline. Observed: 1 variant allele.
Comment: BS1, PP3_strong, PM5

GeneDx
Classification: Uncertain significance. Last evaluated: 2025-02-03. Review status: criteria provided, single submitter. Criteria: GeneDx Variant Classification Process June 2021. Collection method: clinical testing. Allele origin: germline. Affected: yes.
Comment: Has not been previously published in association with disease to our knowledge; Observed in at least one heterozygous clinically unaffected adult individual in published literature (PMID: 36147510); In silico analysis supports that this missense variant has a deleterious effect on protein structure/function; This variant is associated with the following publications: (PMID: 26435059, 26934580, Lee2017[Thesis], 30872718, 26740555, 27460824, 28719003, 36147510, 30019023, 37185285)

Blueprint Genetics
Classification: Likely benign. Last evaluated: 2024-11-26. Review status: criteria provided, single submitter. Criteria: ACMG Guidelines, 2015. Collection method: clinical testing. Allele origin: germline.

ARUP Laboratories, Molecular Genetics and Genomics, ARUP Laboratories
Classification: Uncertain significance. Last evaluated: 2022-03-23. Review status: criteria provided, single submitter. Criteria: ARUP Molecular Germline Variant Investigation Process 2021. Collection method: clinical testing. Allele origin: germline.
Comment: The WFS1 c.2195G>A; p.Arg732His variant (rs149013740), to our knowledge, is not reported in the medical literature, but is reported in ClinVar (Variation ID: 215397). This variant is found in the African/African American population with an allele frequency of 0.27% (64/24146 alleles) in the Genome Aggregation Database. The arginine at codon 732 is highly conserved, and computational analyses predict that this variant is deleterious (REVEL: 0.971). A variant in the same codon (p.Arg732Cys) was recently identified in a patient with a personal and family history suggestive of a recessive form of Wolfram syndrome, including diabetes mellitus and optic atrophy (La Morgia 2020). However, due to limited information, the clinical significance of the p.Arg732His variant is uncertain at this time. References: La Morgia C et al. Calcium mishandling in absence of primary mitochondrial dysfunction drives cellular pathology in Wolfram Syndrome. Sci Rep. 2020 Mar 16;10(1):4785. PMID: 32179840

CeGaT Center for Human Genetics Tuebingen
Classification: Uncertain significance. Last evaluated: 2021-12-01. Review status: criteria provided, single submitter. Criteria: CeGaT Center For Human Genetics Tuebingen Variant Classification Criteria Version 2. Collection method: clinical testing. Allele origin: germline. Affected: yes. Observed: 1 variant allele.

New York Genome Center
Classification: Uncertain significance for Type 2 diabetes mellitus. Last evaluated: 2021-11-17. Review status: criteria provided, single submitter. Criteria: NYGC Assertion Criteria 2020. Collection method: clinical testing. Allele origin: germline. Observed: 1 heterozygote.

Eurofins Ntd Llc (ga)
Classification: Uncertain significance. Last evaluated: 2016-03-28. Review status: criteria provided, single submitter. Criteria: EGL Classification Definitions 2015. Collection method: clinical testing. Allele origin: germline. Observed: 1 variant allele, 1 heterozygote.

PreventionGenetics, part of Exact Sciences
Classification: Likely benign for WFS1-related condition. Last evaluated: 2023-07-16. Review status: no assertion criteria provided. Collection method: clinical testing. Allele origin: germline. Not counted in ClinVar's aggregate classification.
Comment: This variant is classified as likely benign based on ACMG/AMP sequence variant interpretation guidelines (Richards et al. 2015 PMID: 25741868, with internal and published modifications).

Clinical Genetics DNA and cytogenetics Diagnostics Lab, Erasmus MC, Erasmus Medical Center
Classification: Uncertain significance. Review status: no assertion criteria provided. Collection method: clinical testing. Allele origin: germline. Affected: yes. Study: VKGL Data-share Consensus. Not counted in ClinVar's aggregate classification.

Clinical Genetics, Academic Medical Center
Classification: Uncertain significance. Review status: no assertion criteria provided. Collection method: clinical testing. Allele origin: germline. Affected: yes. Study: VKGL Data-share Consensus. Not counted in ClinVar's aggregate classification.

Joint Genome Diagnostic Labs from Nijmegen and Maastricht, Radboudumc and MUMC+
Classification: Uncertain significance. Review status: no assertion criteria provided. Collection method: clinical testing. Allele origin: germline. Affected: yes. Study: VKGL Data-share Consensus. Not counted in ClinVar's aggregate classification.

Laboratory of Diagnostic Genome Analysis, Leiden University Medical Center (LUMC)
Classification: Uncertain significance. Review status: no assertion criteria provided. Collection method: clinical testing. Allele origin: germline. Affected: yes. Study: VKGL Data-share Consensus. Not counted in ClinVar's aggregate classification.

Literature cited by the submitters: PubMed 26435059 (cited by Mayo Clinic Laboratories, Mayo Clinic); PubMed 36147510 (cited by Mayo Clinic Laboratories, Mayo Clinic).

NM_006005.3(WFS1):c.2195G>A (p.Arg732His)

Gene: WFS1 (wolframin ER transmembrane glycoprotein; plus strand). Cytogenetic location: 4p16.1.
Variant type: single nucleotide variant.
Coding change: c.2195G>A on transcript NM_006005.3 (MANE Select); coding-DNA position 2195, G replaced by A.
Protein change: p.Arg732His; replaces arginine 732 with histidine.
Molecular consequence: missense variant.
Genome position (GRCh38, 1-based): chr4:6,301,990, G>A. VCF-style: chr4-6301990-G-A. GRCh37 (hg19) VCF-style: chr4-6303717-G-A.
Other names: p.R732H:CGC>CAC; p.Arg732His; c.2195G>A, p.Arg732His (NM_001145853.1); short protein forms R732H.
Identifiers: ClinVar variation 215397 (VCV000215397.73), dbSNP rs149013740, ClinGen allele CA321654.
Genomic context (GRCh38, chr4:6,301,990, plus strand): 5'-TCGACAACAGCGCCGAGTCTGCCATCAACATGCTCCCGTTCTTCATCGGCGACTGGATGC[G>A]CTGCCTCTACGGCGAGGCCTACCCTGCCTGCAGCCCTGGCAACACCTCCACGGCCGAGGA-3'
Protein context (NP_005996.2, residues 722-742): MLPFFIGDWM[Arg732His]CLYGEAYPAC